The following is an entry in ClinVar:

NM_033343.4(LHX4):c.91G>A (p.Ala31Thr)

Gene: LHX4 (LIM homeobox 4; plus strand). Cytogenetic location: 1q25.2.
Variant type: single nucleotide variant.
Coding change: c.91G>A on transcript NM_033343.4 (MANE Select); coding-DNA position 91, G replaced by A.
Protein change: p.Ala31Thr; replaces alanine 31 with threonine.
Molecular consequence: missense variant.
Genome position (GRCh38, 1-based): chr1:180,248,299, G>A. VCF-style: chr1-180248299-G-A. GRCh37 (hg19) VCF-style: chr1-180217434-G-A.
Other names: short protein forms A31T.
Identifiers: ClinVar variation 293860 (VCV000293860.10), dbSNP rs145933198, ClinGen allele CA1271804.
Genomic context (GRCh38, chr1:180,248,299, plus strand): 5'-GGCTGTGTGGAAGGCTCACAGTGCCTCTCTCTCCTCTTCCTCACAGAGATTCCCCAGTGC[G>A]CTGGCTGCAACCAGCACATCCTGGACAAGTTCATCCTGAAGGTCCTGGACAGACACTGGC-3'
Protein context (NP_203129.1, residues 21-41): GVPMQQIPQC[Ala31Thr]GCNQHILDKF

ClinVar aggregate classification (germline): Uncertain significance. Review status: criteria provided, multiple submitters, no conflicts (2 of 4 stars). 4 submissions from 4 submitters: Uncertain significance (4). Last evaluated 2024-09-30.

Conditions:
Inborn genetic diseases. Identifiers: MedGen C0950123, MeSH D030342.

Allele frequency attached by ClinVar (database versions not stated): 1000 Genomes Project 30x 0.00016; gnomAD 0.00007; 1000 Genomes Project 0.00020; ExAC 0.00002; gnomAD exomes 0.00004; TOPMed 0.00010.
gnomAD v4.1: 94 of 1,614,080 alleles (0.0058%); highest among the groups gnomAD compares: Middle Eastern, 0.017%; no homozygotes.

Submissions (4):

Women's Health and Genetics/Laboratory Corporation of America, LabCorp
Classification: Uncertain significance. Last evaluated: 2024-09-30. Review status: criteria provided, single submitter. Criteria: LabCorp Variant Classification Summary - May 2015. Collection method: clinical testing. Allele origin: germline.
Comment: Variant summary: LHX4 c.91G>A (p.Ala31Thr) results in a non-conservative amino acid change located in the Zinc finger, LIM-type (IPR001781) of the encoded protein sequence. Three of five in-silico tools predict a damaging effect of the variant on protein function. The variant allele was found at a frequency of 4.4e-05 in 250714 control chromosomes. This frequency is not significantly higher than estimated for a pathogenic variant in LHX4 causing Short Stature-Pituitary And Cerebellar Defects-Small Sella Turcica Syndrome, allowing no conclusion about variant significance. To our knowledge, no occurrence of c.91G>A in individuals affected with Short Stature-Pituitary And Cerebellar Defects-Small Sella Turcica Syndrome and no experimental evidence demonstrating its impact on protein function have been reported. ClinVar contains an entry for this variant (Variation ID: 293860). Based on the evidence outlined above, the variant was classified as uncertain significance.

Labcorp Genetics (formerly Invitae), Labcorp
Classification: Uncertain significance. Last evaluated: 2024-08-30. Review status: criteria provided, single submitter. Criteria: Invitae Variant Classification Sherloc (09022015). Collection method: clinical testing. Allele origin: germline.
Comment: This sequence change replaces alanine, which is neutral and non-polar, with threonine, which is neutral and polar, at codon 31 of the LHX4 protein (p.Ala31Thr). This variant is present in population databases (rs145933198, gnomAD 0.006%). This variant has not been reported in the literature in individuals affected with LHX4-related conditions. ClinVar contains an entry for this variant (Variation ID: 293860). Invitae Evidence Modeling of protein sequence and biophysical properties (such as structural, functional, and spatial information, amino acid conservation, physicochemical variation, residue mobility, and thermodynamic stability) indicates that this missense variant is not expected to disrupt LHX4 protein function with a negative predictive value of 80%. In summary, the available evidence is currently insufficient to determine the role of this variant in disease. Therefore, it has been classified as a Variant of Uncertain Significance.

Ambry Genetics
Classification: Uncertain significance for Inborn genetic diseases. Last evaluated: 2023-10-13. Review status: criteria provided, single submitter. Criteria: Ambry Variant Classification Scheme 2023. Collection method: clinical testing. Allele origin: germline.

Breakthrough Genomics
Classification: Uncertain significance. Review status: criteria provided, single submitter. Criteria: ACMG Guidelines, 2015. Collection method: not provided. Allele origin: germline. Inheritance: Autosomal dominant inheritance. Affected: yes.